The following is an entry in ClinVar:

NM_004606.5(TAF1):c.*489T>C

Gene: TAF1 (TATA-box binding protein associated factor 1; plus strand). Cytogenetic location: Xq13.1.
Variant type: single nucleotide variant.
Coding change: c.*489T>C on transcript NM_004606.5 (MANE Select); 489 bases downstream of the stop codon, T replaced by C.
Molecular consequence: 3 prime UTR variant. On other transcripts: intron variant (3).
Genome position (GRCh38, 1-based): chrX:71,464,535, T>C. VCF-style: chrX-71464535-T-C. GRCh37 (hg19) VCF-style: chrX-70684385-T-C.
Other names: c.*489T>C (NM_001286074.2, NM_138923.4); c.5502-1733T>C (NM_001440852.1); c.5400-1733T>C (NM_001440853.1); c.5337-1733T>C (NM_001440854.1).
Identifiers: ClinVar variation 4538186 (VCV004538186.1).

ClinVar aggregate classification (germline): Uncertain significance (1 of 4 stars; one submission).

Submission:

Greenwood Genetic Center Diagnostic Laboratories, Greenwood Genetic Center
Classification: Uncertain significance. Last evaluated: 2025-05-14. Review status: criteria provided, single submitter. Criteria: ACMG Guidelines, 2015. Collection method: clinical testing. Allele origin: germline. Affected: yes.
Comment: PM2